The following is an entry in ClinVar:

NM_002519.3(NPAT):c.2686C>G (p.Pro896Ala)

Gene: NPAT (nuclear protein, coactivator of histone transcription; minus strand). Cytogenetic location: 11q22.3.
Variant type: single nucleotide variant.
Coding change: c.2686C>G on transcript NM_002519.3 (MANE Select); coding-DNA position 2686, C replaced by G.
Protein change: p.Pro896Ala; replaces proline 896 with alanine.
Molecular consequence: missense variant.
Genome position (GRCh38, 1-based): chr11:108,172,298, G>C on the plus strand (C>G on the coding strand, the complement: NPAT is on the minus strand). VCF-style: chr11-108172298-G-C. GRCh37 (hg19) VCF-style: chr11-108043025-G-C.
Other names: c.2686C>G, p.Pro896Ala (NM_001321307.1); short protein forms P896A.
Identifiers: ClinVar variation 1794726 (VCV001794726.7), dbSNP rs924926073, ClinGen allele CA228383358.
Genomic context (GRCh38, chr11:108,172,298, plus strand): 5'-ATACACTGTTTGACCTTGGTGGTGTCTGTAACTGAGGTGGTAGAGGTTGAGCAGTCATAG[G>C]TGCAGAATTTCCAGGCAACACCACTACATTAGACTGACTTACAGATGTTCCTAACGCTGT-3'
Protein context (NP_002510.2, residues 886-906): NVVVLPGNSA[Pro896Ala]MTAQPLPPQL

ClinVar aggregate classification (germline): Uncertain significance. Review status: criteria provided, multiple submitters, no conflicts (2 of 4 stars). 2 submissions from 2 submitters: Uncertain significance (2). Last evaluated 2025-05-05.

Allele frequency attached by ClinVar (database versions not stated): gnomAD 0.00001; TOPMed 0.00002.
gnomAD v4.1: 2 of 1,614,084 alleles (0.00012%); highest among the groups gnomAD compares: African/African-American, 0.0027%; no homozygotes.

Submissions (2):

Labcorp Genetics (formerly Invitae), Labcorp
Classification: Uncertain significance. Last evaluated: 2025-05-05. Review status: criteria provided, single submitter. Criteria: Invitae Variant Classification Sherloc (09022015). Collection method: clinical testing. Allele origin: germline.
Comment: This sequence change replaces proline, which is neutral and non-polar, with alanine, which is neutral and non-polar, at codon 896 of the NPAT protein (p.Pro896Ala). This variant is present in population databases (no rsID available, gnomAD 0.007%). This variant has not been reported in the literature in individuals affected with NPAT-related conditions. ClinVar contains an entry for this variant (Variation ID: 1794726). An algorithm developed to predict the effect of missense changes on protein structure and function outputs the following: PolyPhen-2: "Benign". The alanine amino acid residue is found in multiple mammalian species, which suggests that this missense change does not adversely affect protein function. In summary, the available evidence is currently insufficient to determine the role of this variant in disease. Therefore, it has been classified as a Variant of Uncertain Significance.

Ambry Genetics
Classification: Uncertain significance. Last evaluated: 2021-11-09. Review status: criteria provided, single submitter. Criteria: Ambry Variant Classification Scheme 2023. Collection method: clinical testing. Allele origin: germline.
Comment: The p.P896A variant (also known as c.2686C>G), located in coding exon 13 of the NPAT gene, results from a C to G substitution at nucleotide position 2686. The proline at codon 896 is replaced by alanine, an amino acid with highly similar properties. This amino acid position is conserved. In addition, this alteration is predicted to be tolerated by in silico analysis. Since supporting evidence is limited at this time, the clinical significance of this alteration remains unclear.